The following is an entry in ClinVar:

NM_016035.5(COQ4):c.94G>C (p.Asp32His)

Gene: COQ4 (coenzyme Q4; plus strand). Cytogenetic location: 9q34.11.
Variant type: single nucleotide variant.
Coding change: c.94G>C on transcript NM_016035.5 (MANE Select); coding-DNA position 94, G replaced by C.
Protein change: p.Asp32His; replaces aspartic acid 32 with histidine.
Molecular consequence: missense variant.
Genome position (GRCh38, 1-based): chr9:128,323,039, G>C. VCF-style: chr9-128323039-G-C. GRCh37 (hg19) VCF-style: chr9-131085318-G-C.
Other names: c.94G>C, p.Asp32His (NM_001305942.2); short protein forms D32H.
Identifiers: ClinVar variation 1716310 (VCV001716310.5), dbSNP rs2539410210, ClinGen allele CA375017300.

ClinVar aggregate classification (germline): Uncertain significance (1 of 4 stars; one submission).

Conditions:
Neonatal encephalomyopathy-cardiomyopathy-respiratory distress syndrome. Also called: Coenzyme Q10 deficiency, primary, 7. Identifiers: Orphanet 457185, MedGen C5568562, MONDO:0014562, OMIM 616276.

Submission:

Labcorp Genetics (formerly Invitae), Labcorp
Classification: Uncertain significance for Neonatal encephalomyopathy-cardiomyopathy-respiratory distress syndrome. Last evaluated: 2022-08-13. Review status: criteria provided, single submitter. Criteria: Invitae Variant Classification Sherloc (09022015). Collection method: clinical testing. Allele origin: germline.
Comment: In summary, the available evidence is currently insufficient to determine the role of this variant in disease. Therefore, it has been classified as a Variant of Uncertain Significance. Algorithms developed to predict the effect of missense changes on protein structure and function output the following: SIFT: "Tolerated"; PolyPhen-2: "Benign"; Align-GVGD: "Class C0". The histidine amino acid residue is found in multiple mammalian species, which suggests that this missense change does not adversely affect protein function. This variant has not been reported in the literature in individuals affected with COQ4-related conditions. This variant is not present in population databases (gnomAD no frequency). This sequence change replaces aspartic acid, which is acidic and polar, with histidine, which is basic and polar, at codon 32 of the COQ4 protein (p.Asp32His).